The following is an entry in ClinVar:

NM_003482.4(KMT2D):c.3765C>T (p.Gly1255=)

Genes: KMT2D (lysine methyltransferase 2D; minus strand), LOC126861520 (CDK7 strongly-dependent group 2 enhancer GRCh37_chr12:49442744-49443943; plus strand). Cytogenetic location: 12q13.12.
Variant type: single nucleotide variant.
Coding change: c.3765C>T on transcript NM_003482.4 (MANE Select); coding-DNA position 3765, C replaced by T.
Protein change: p.Gly1255=; no amino-acid change (glycine 1255 retained).
Molecular consequence: synonymous variant.
Genome position (GRCh38, 1-based): chr12:49,049,823, G>A on the plus strand (C>T on the coding strand, the complement: KMT2D is on the minus strand). VCF-style: chr12-49049823-G-A. GRCh37 (hg19) VCF-style: chr12-49443606-G-A.
Identifiers: ClinVar variation 733727 (VCV000733727.23), dbSNP rs370363809, ClinGen allele CA236616493.

ClinVar aggregate classification (germline): Likely benign. Review status: criteria provided, multiple submitters, no conflicts (2 of 4 stars). 2 submissions from 2 submitters: Likely benign (2). Last evaluated 2025-01-01.

Conditions:
Kabuki syndrome. Also called: Kabuki make-up syndrome; NIIKAWA-KUROKI SYNDROME. Identifiers: Orphanet 2322, MedGen C0796004, MONDO:0016512.

Allele frequency attached by ClinVar (database versions not stated): TOPMed 0.00003; ESP Exome Variant Server 0.00008.
gnomAD v4.1: 85 of 1,613,852 alleles (0.0053%); highest among the groups gnomAD compares: Non-Finnish European, 0.007%; no homozygotes.

Submissions (2):

CeGaT Center for Human Genetics Tuebingen
Classification: Likely benign. Last evaluated: 2025-01-01. Review status: criteria provided, single submitter. Criteria: CeGaT Center For Human Genetics Tuebingen Variant Classification Criteria Version 2. Collection method: clinical testing. Allele origin: germline. Affected: yes. Observed: 1 variant allele.
Comment: KMT2D: BP4, BP7

Labcorp Genetics (formerly Invitae), Labcorp
Classification: Likely benign for Kabuki syndrome. Last evaluated: 2024-09-03. Review status: criteria provided, single submitter. Criteria: Invitae Variant Classification Sherloc (09022015). Collection method: clinical testing. Allele origin: germline.